The following is an entry in ClinVar:

NM_000130.5(F5):c.2016C>A (p.Ser672Arg)

Gene: F5 (coagulation factor V; minus strand). Cytogenetic location: 1q24.2.
Variant type: single nucleotide variant.
Coding change: c.2016C>A on transcript NM_000130.5 (MANE Select); coding-DNA position 2016, C replaced by A.
Protein change: p.Ser672Arg; replaces serine 672 with arginine.
Molecular consequence: missense variant.
Genome position (GRCh38, 1-based): chr1:169,543,074, G>T on the plus strand (C>A on the coding strand, the complement: F5 is on the minus strand). VCF-style: chr1-169543074-G-T. GRCh37 (hg19) VCF-style: chr1-169512312-G-T.
Other names: short protein forms S672R.
Identifiers: ClinVar variation 3604089 (VCV003604089.2).

ClinVar aggregate classification (germline): Uncertain significance (1 of 4 stars; one submission).

Conditions:
Congenital factor V deficiency. Also called: LABILE FACTOR DEFICIENCY; OWREN PARAHEMOPHILIA; PARAHEMOPHILIA; Hereditary factor V deficiency disease. Identifiers: Orphanet 326, MedGen C0015499, MONDO:0009210, OMIM 227400.

gnomAD v4.1: 3 of 1,613,884 alleles (0.00019%); highest among the groups gnomAD compares: Non-Finnish European, 0.00017%; no homozygotes.

Submission:

Labcorp Genetics (formerly Invitae), Labcorp
Classification: Uncertain significance for Congenital factor V deficiency. Last evaluated: 2024-06-05. Review status: criteria provided, single submitter. Criteria: Invitae Variant Classification Sherloc (09022015). Collection method: clinical testing. Allele origin: germline.
Comment: This sequence change replaces serine, which is neutral and polar, with arginine, which is basic and polar, at codon 672 of the F5 protein (p.Ser672Arg). This variant is not present in population databases (gnomAD no frequency). This variant has not been reported in the literature in individuals affected with F5-related conditions. Advanced modeling of protein sequence and biophysical properties (such as structural, functional, and spatial information, amino acid conservation, physicochemical variation, residue mobility, and thermodynamic stability) performed at Invitae indicates that this missense variant is not expected to disrupt F5 protein function with a negative predictive value of 80%. In summary, the available evidence is currently insufficient to determine the role of this variant in disease. Therefore, it has been classified as a Variant of Uncertain Significance.